The following is an entry in ClinVar:

ClinVar aggregate classification (germline): Uncertain significance (1 of 4 stars; one submission).

Allele frequency attached by ClinVar (database versions not stated): TOPMed 0.00011; gnomAD 0.00013 and 0.00015.
gnomAD v4.1: 60 of 700,194 alleles (0.0086%); highest among the groups gnomAD compares: African/African-American, 0.012%; no homozygotes.

Submission:

Labcorp Genetics (formerly Invitae), Labcorp
Classification: Uncertain significance. Last evaluated: 2022-07-17. Review status: criteria provided, single submitter. Criteria: Invitae Variant Classification Sherloc (09022015). Collection method: clinical testing. Allele origin: germline.
Comment: This variant occurs in the RNU4ATAC gene, which encodes an RNA molecule that does not result in a protein product. This variant is present in population databases (no rsID available, gnomAD 0.03%). This variant has not been reported in the literature in individuals affected with RNU4ATAC-related conditions. ClinVar contains an entry for this variant (Variation ID: 1470847). Experimental studies and prediction algorithms are not available or were not evaluated, and the functional significance of this variant is currently unknown. In summary, the available evidence is currently insufficient to determine the role of this variant in disease. Therefore, it has been classified as a Variant of Uncertain Significance.

NC_000002.12:g.121530994C>T

Genes: RNU4ATAC (RNA, U4atac small nuclear; plus strand), CLASP1 (cytoplasmic linker associated protein 1; minus strand), CLASP1-AS1 (CLASP1 antisense RNA 1; plus strand). Cytogenetic location: 2q14.2.
Variant type: single nucleotide variant.
Molecular consequence: intron variant (on NM_001395891.1).
Genome position: GRCh38 VCF-style: chr2-121530994-C-T. GRCh37 (hg19) VCF-style: chr2-122288570-C-T.
Other names: c.196-669G>A (NM_001142274.2, NM_015282.3, NM_001378003.1 and 5 more transcripts).
Identifiers: ClinVar variation 1470847 (VCV001470847.3), dbSNP rs949641745, ClinGen allele CA54811018.